The following is an entry in ClinVar:

ClinVar aggregate classification (germline): Uncertain significance (1 of 4 stars; one submission).

gnomAD v4.1: 6 of 1,614,174 alleles (0.00037%); highest among the groups gnomAD compares: Non-Finnish European, 0.00042%; no homozygotes.

Submission:

Labcorp Genetics (formerly Invitae), Labcorp
Classification: Uncertain significance. Last evaluated: 2024-03-19. Review status: criteria provided, single submitter. Criteria: Invitae Variant Classification Sherloc (09022015). Collection method: clinical testing. Allele origin: germline.
Comment: This sequence change replaces cysteine, which is neutral and slightly polar, with tyrosine, which is neutral and polar, at codon 823 of the CSF2RB protein (p.Cys823Tyr). This variant is not present in population databases (gnomAD no frequency). This variant has not been reported in the literature in individuals affected with CSF2RB-related conditions. Advanced modeling of protein sequence and biophysical properties (such as structural, functional, and spatial information, amino acid conservation, physicochemical variation, residue mobility, and thermodynamic stability) performed at Invitae indicates that this missense variant is expected to disrupt CSF2RB protein function with a positive predictive value of 80%. In summary, the available evidence is currently insufficient to determine the role of this variant in disease. Therefore, it has been classified as a Variant of Uncertain Significance.

NM_000395.3(CSF2RB):c.2468G>A (p.Cys823Tyr)

Gene: CSF2RB (colony stimulating factor 2 receptor subunit beta; plus strand). Cytogenetic location: 22q12.3.
Variant type: single nucleotide variant.
Coding change: c.2468G>A on transcript NM_000395.3 (MANE Select); coding-DNA position 2468, G replaced by A.
Protein change: p.Cys823Tyr; replaces cysteine 823 with tyrosine.
Molecular consequence: missense variant.
Genome position (GRCh38, 1-based): chr22:36,938,276, G>A. VCF-style: chr22-36938276-G-A. GRCh37 (hg19) VCF-style: chr22-37334318-G-A.
Other names: c.2486G>A, p.Cys829Tyr (NM_001410827.1); short protein forms C829Y, C823Y.
Identifiers: ClinVar variation 3645345 (VCV003645345.2).